The following is an entry in ClinVar:

NM_000059.4(BRCA2):c.3476G>A (p.Cys1159Tyr)

Gene: BRCA2 (BRCA2 DNA repair associated; plus strand). Cytogenetic location: 13q13.1.
Variant type: single nucleotide variant.
Coding change: c.3476G>A on transcript NM_000059.4 (MANE Select); coding-DNA position 3476, G replaced by A.
Protein change: p.Cys1159Tyr; replaces cysteine 1159 with tyrosine.
Molecular consequence: missense variant.
Genome position (GRCh38, 1-based): chr13:32,337,831, G>A. VCF-style: chr13-32337831-G-A. GRCh37 (hg19) VCF-style: chr13-32911968-G-A.
Other names: short protein forms C1159Y.
Identifiers: ClinVar variation 1373804 (VCV001373804.9), dbSNP rs2137496967, ClinGen allele CA387776828.

ClinVar aggregate classification (germline): Conflicting classifications of pathogenicity. Review status: criteria provided, conflicting classifications (1 of 4 stars). 2 submissions from 2 submitters: Uncertain significance (1); Likely benign (1). Last evaluated 2024-02-14.

Conditions:
Hereditary cancer-predisposing syndrome. Also called: Neoplastic Syndromes, Hereditary; Tumor predisposition; Hereditary neoplastic syndrome; Hereditary Cancer Syndrome. Identifiers: Orphanet 140162, MedGen C0027672, MeSH D009386, MONDO:0015356.
Hereditary breast ovarian cancer syndrome. Also called: BRCA1- and BRCA2-Associated Hereditary Breast and Ovarian Cancer; Hereditary breast and ovarian cancer; Hereditary breast and ovarian cancer syndrome; Hereditary breast and/or ovarian cancer syndrome; Hereditary breast and ovarian cancer syndrome (HBOC); Breast and ovarian cancer. Identifiers: Orphanet 145, MedGen C0677776, MeSH D061325, MONDO:0003582. Disease mechanism: loss of function.

Submissions (2):

Labcorp Genetics (formerly Invitae), Labcorp
Classification: Uncertain significance for Hereditary breast ovarian cancer syndrome. Last evaluated: 2024-02-14. Review status: criteria provided, single submitter. Criteria: Invitae Variant Classification Sherloc (09022015). Collection method: clinical testing. Allele origin: germline.
Comment: This sequence change replaces cysteine, which is neutral and slightly polar, with tyrosine, which is neutral and polar, at codon 1159 of the BRCA2 protein (p.Cys1159Tyr). This variant is not present in population databases (gnomAD no frequency). This variant has not been reported in the literature in individuals affected with BRCA2-related conditions. ClinVar contains an entry for this variant (Variation ID: 1373804). Advanced modeling of protein sequence and biophysical properties (such as structural, functional, and spatial information, amino acid conservation, physicochemical variation, residue mobility, and thermodynamic stability) performed at Invitae indicates that this missense variant is not expected to disrupt BRCA2 protein function with a negative predictive value of 95%. In summary, the available evidence is currently insufficient to determine the role of this variant in disease. Therefore, it has been classified as a Variant of Uncertain Significance.

University of Washington Department of Laboratory Medicine, University of Washington
Classification: Likely benign for Hereditary cancer-predisposing syndrome. Last evaluated: 2023-03-23. Review status: criteria provided, single submitter. Criteria: Dines et al. (Genet Med. 2020). Collection method: curation. Allele origin: germline.
Comment: Missense variant in a coldspot region where missense variants are very unlikely to be pathogenic (PMID:31911673).

BRCA2 exon 11 coldspot. Reclassification based on statistical prior probability.